The following is an entry in ClinVar:

NM_007348.4(ATF6):c.1019C>T (p.Ala340Val)

Gene: ATF6 (activating transcription factor 6; plus strand). Cytogenetic location: 1q23.3.
Variant type: single nucleotide variant.
Coding change: c.1019C>T on transcript NM_007348.4 (MANE Select); coding-DNA position 1019, C replaced by T.
Protein change: p.Ala340Val; replaces alanine 340 with valine.
Molecular consequence: missense variant.
Genome position (GRCh38, 1-based): chr1:161,819,742, C>T. VCF-style: chr1-161819742-C-T. GRCh37 (hg19) VCF-style: chr1-161789532-C-T.
Other names: c.1019C>T, p.Ala340Val (NM_001410890.1); short protein forms A340V.
Identifiers: ClinVar variation 2111600 (VCV002111600.4), dbSNP rs2525239604, ClinGen allele CA343372525.

ClinVar aggregate classification (germline): Uncertain significance (1 of 4 stars; one submission).

Submission:

Labcorp Genetics (formerly Invitae), Labcorp
Classification: Uncertain significance. Last evaluated: 2023-12-11. Review status: criteria provided, single submitter. Criteria: Invitae Variant Classification Sherloc (09022015). Collection method: clinical testing. Allele origin: germline.
Comment: This sequence change replaces alanine, which is neutral and non-polar, with valine, which is neutral and non-polar, at codon 340 of the ATF6 protein (p.Ala340Val). This variant is not present in population databases (gnomAD no frequency). This variant has not been reported in the literature in individuals affected with ATF6-related conditions. ClinVar contains an entry for this variant (Variation ID: 2111600). Advanced modeling of protein sequence and biophysical properties (such as structural, functional, and spatial information, amino acid conservation, physicochemical variation, residue mobility, and thermodynamic stability) performed at Invitae indicates that this missense variant is not expected to disrupt ATF6 protein function with a negative predictive value of 80%. In summary, the available evidence is currently insufficient to determine the role of this variant in disease. Therefore, it has been classified as a Variant of Uncertain Significance.